The following is an entry in ClinVar:

NM_001127222.2(CACNA1A):c.815G>A (p.Cys272Tyr)

Gene: CACNA1A (calcium voltage-gated channel subunit alpha1 A; minus strand). Cytogenetic location: 19p13.13.
Variant type: single nucleotide variant.
Coding change: c.815G>A on transcript NM_001127222.2 (MANE Select); coding-DNA position 815, G replaced by A.
Protein change: p.Cys272Tyr; replaces cysteine 272 with tyrosine.
Molecular consequence: missense variant.
Genome position (GRCh38, 1-based): chr19:13,359,769, C>T on the plus strand (G>A on the coding strand, the complement: CACNA1A is on the minus strand). VCF-style: chr19-13359769-C-T. GRCh37 (hg19) VCF-style: chr19-13470583-C-T.
Other names: c.815G>A, p.Cys272Tyr (NM_000068.4, NM_001127221.2, NM_001174080.2 and 1 more transcripts); short protein forms C272Y.
Identifiers: ClinVar variation 1454996 (VCV001454996.11), dbSNP rs771682941, ClinGen allele CA9240955.

ClinVar aggregate classification (germline): Pathogenic/Likely pathogenic. Review status: criteria provided, multiple submitters, no conflicts (2 of 4 stars). 3 submissions from 3 submitters: Pathogenic (1); Likely pathogenic (2). Last evaluated 2024-09-11.

Conditions:
Episodic ataxia type 2 (EA2). Also called: ACETAZOLAMIDE-RESPONSIVE HEREDITARY PAROXYSMAL CEREBELLAR ATAXIA; EPISODIC ATAXIA, NYSTAGMUS-ASSOCIATED; ATAXIA, EPISODIC, WITH NYSTAGMUS; ATAXIA, FAMILIAL PAROXYSMAL; CEREBELLAR ATAXIA, PAROXYSMAL, ACETAZOLAMIDE-RESPONSIVE; CEREBELLOPATHY, HEREDITARY PAROXYSMAL. Identifiers: Orphanet 97, MedGen C1720416, MONDO:0007163, OMIM 108500.
Developmental and epileptic encephalopathy, 42 (DEE42A). Also called: DEVELOPMENTAL AND EPILEPTIC ENCEPHALOPATHY 42A; EPILEPTIC ENCEPHALOPATHY, EARLY INFANTILE, 42A; Epileptic encephalopathy, early infantile, 42. Identifiers: MedGen C4310716, MONDO:0014917, OMIM 617106.
CACNA1A-related disorder. Also called: CACNA1A-related condition.
Hereditary episodic ataxia. Also called: Episodic ataxia; EA syndrome; Episodic Ataxia syndrome. Identifiers: Orphanet 211062, MedGen C1720189, MONDO:0016227, HP:0002131.

Allele frequency attached by ClinVar (database versions not stated): ExAC 0.00005.

Submissions (3):

Women's Health and Genetics/Laboratory Corporation of America, LabCorp
Classification: Likely pathogenic for Hereditary episodic ataxia. Last evaluated: 2024-09-11. Review status: criteria provided, single submitter. Criteria: LabCorp Variant Classification Summary - May 2015. Collection method: clinical testing. Allele origin: germline.
Comment: Variant summary: CACNA1A c.815G>A (p.Cys272Tyr) results in a non-conservative amino acid change located in the Ion transport domain (IPR005821) of the encoded protein sequence. Five of five in-silico tools predict a damaging effect of the variant on protein function. The variant was absent in 178730 control chromosomes (gnomAD). c.815G>A has been reported in the literature in individuals affected with Episodic Ataxia or infantile-onset epilepsy (e.g. Blumkin_2015, Kuperberg_2016, Daniels_2024), in one case as a de novo occurrence. These data indicate that the variant is likely to be associated with disease. To our knowledge, no experimental evidence demonstrating an impact on protein function has been reported. The following publications have been ascertained in the context of this evaluation (PMID: 25596066, 27572814, 37771170). ClinVar contains an entry for this variant (Variation ID: 1454996). Based on the evidence outlined above, the variant was classified as likely pathogenic.

Labcorp Genetics (formerly Invitae), Labcorp
Classification: Pathogenic for Developmental and epileptic encephalopathy, 42; Episodic ataxia type 2. Last evaluated: 2023-05-22. Review status: criteria provided, single submitter. Criteria: Invitae Variant Classification Sherloc (09022015). Collection method: clinical testing. Allele origin: germline.
Comment: For these reasons, this variant has been classified as Pathogenic. Advanced modeling of protein sequence and biophysical properties (such as structural, functional, and spatial information, amino acid conservation, physicochemical variation, residue mobility, and thermodynamic stability) performed at Invitae indicates that this missense variant is expected to disrupt CACNA1A protein function. ClinVar contains an entry for this variant (Variation ID: 1454996). This missense change has been observed in individual(s) with CACNA1A-related conditions (PMID: 25596066). In at least one individual the variant was observed to be de novo. This variant is not present in population databases (gnomAD no frequency). This sequence change replaces cysteine, which is neutral and slightly polar, with tyrosine, which is neutral and polar, at codon 272 of the CACNA1A protein (p.Cys272Tyr).

Greenwood Genetic Center Diagnostic Laboratories, Greenwood Genetic Center
Classification: Likely pathogenic for CACNA1A-related disorder. Last evaluated: 2022-09-28. Review status: criteria provided, single submitter. Criteria: ACMG Guidelines, 2015. Collection method: clinical testing. Allele origin: germline. Affected: yes.
Comment: PM6 PM2 PS4_moderate PP2 PP3

Literature cited by the submitters: PubMed 27572814 (cited by Women's Health and Genetics/Laboratory Corporation of America, LabCorp); PubMed 25596066 (cited by Women's Health and Genetics/Laboratory Corporation of America, LabCorp and Labcorp Genetics (formerly Invitae), Labcorp); PubMed 37771170 (cited by Women's Health and Genetics/Laboratory Corporation of America, LabCorp).